The following is an entry in ClinVar:

ClinVar aggregate classification (germline): Uncertain significance. Review status: criteria provided, multiple submitters, no conflicts (2 of 4 stars). 4 submissions from 4 submitters: Uncertain significance (2). 2 of the submissions do not count toward it. Last evaluated 2025-07-01.

Conditions:
Inborn genetic diseases. Identifiers: MedGen C0950123, MeSH D030342.

Allele frequency attached by ClinVar (database versions not stated): gnomAD 0.00001; ExAC 0.00002; gnomAD exomes 0.00002; TOPMed 0.00002; 1000 Genomes Project 30x 0.00016; 1000 Genomes Project 0.00020.
gnomAD v4.1: 41 of 1,612,574 alleles (0.0025%); highest among the groups gnomAD compares: Middle Eastern, 0.033%; no homozygotes.

Submissions (4):

CeGaT Center for Human Genetics Tuebingen
Classification: Uncertain significance. Last evaluated: 2025-07-01. Review status: criteria provided, single submitter. Criteria: CeGaT Center For Human Genetics Tuebingen Variant Classification Criteria Version 2. Collection method: clinical testing. Allele origin: germline. Affected: yes. Observed: 1 variant allele.
Comment: HERC2: PM2

Ambry Genetics
Classification: Uncertain significance for Inborn genetic diseases. Last evaluated: 2024-12-25. Review status: criteria provided, single submitter. Criteria: Ambry Variant Classification Scheme 2023. Collection method: clinical testing. Allele origin: germline.

Clinical Genetics DNA and cytogenetics Diagnostics Lab, Erasmus MC, Erasmus Medical Center
Classification: Uncertain significance. Review status: no assertion criteria provided. Collection method: clinical testing. Allele origin: germline. Affected: yes. Study: VKGL Data-share Consensus. Not counted in ClinVar's aggregate classification.

Diagnostic Laboratory, Department of Genetics, University Medical Center Groningen
Classification: Uncertain significance. Review status: no assertion criteria provided. Collection method: clinical testing. Allele origin: germline. Affected: yes. Study: VKGL Data-share Consensus. Not counted in ClinVar's aggregate classification.

NM_004667.6(HERC2):c.10075G>T (p.Asp3359Tyr)

Gene: HERC2 (HECT and RLD domain containing E3 ubiquitin protein ligase 2; minus strand). Cytogenetic location: 15q13.1.
Variant type: single nucleotide variant.
Coding change: c.10075G>T on transcript NM_004667.6 (MANE Select); coding-DNA position 10075, G replaced by T.
Protein change: p.Asp3359Tyr; replaces aspartic acid 3359 with tyrosine.
Molecular consequence: missense variant.
Genome position (GRCh38, 1-based): chr15:28,169,638, C>A on the plus strand (G>T on the coding strand, the complement: HERC2 is on the minus strand). VCF-style: chr15-28169638-C-A. GRCh37 (hg19) VCF-style: chr15-28414784-C-A.
Other names: c.10075G>T (NM_004667.4); short protein forms D3359Y.
Identifiers: ClinVar variation 1174869 (VCV001174869.13), dbSNP rs545777717, ClinGen allele CA7440957.